The following is an entry in ClinVar:

ClinVar aggregate classification (germline): Likely benign (1 of 4 stars; one submission).

Conditions:
FEZF2-related disorder. Also called: FEZF2-related condition.

Submission:

PreventionGenetics, part of Exact Sciences
Classification: Likely benign for FEZF2-related condition. Last evaluated: 2026-07-09. Review status: criteria provided, single submitter. Criteria: ACMG Guidelines, 2015. Collection method: clinical testing. Allele origin: germline.
Comment: This variant is classified as likely benign based on ACMG/AMP sequence variant interpretation guidelines (Richards et al. 2015 PMID: 25741868, with internal and published modifications).

NM_018008.4(FEZF2):c.357A>G (p.Pro119=)

Gene: FEZF2 (FEZ family zinc finger 2; minus strand). Cytogenetic location: 3p14.2.
Variant type: single nucleotide variant.
Coding change: c.357A>G on transcript NM_018008.4 (MANE Select); coding-DNA position 357, A replaced by G.
Protein change: p.Pro119=; no amino-acid change (proline 119 retained).
Molecular consequence: synonymous variant.
Genome position (GRCh38, 1-based): chr3:62,372,512, T>C on the plus strand (A>G on the coding strand, the complement: FEZF2 is on the minus strand). VCF-style: chr3-62372512-T-C. GRCh37 (hg19) VCF-style: chr3-62358187-T-C.
Identifiers: ClinVar variation 4982583 (VCV004982583.1).